The following is an entry in ClinVar:

NM_014915.3(ANKRD26):c.98G>T (p.Gly33Val)

Genes: ANKRD26 (ankyrin repeat domain 26; minus strand), LOC130003554 (ATAC-STARR-seq lymphoblastoid silent region 2243; plus strand). Cytogenetic location: 10p12.1.
Variant type: single nucleotide variant.
Coding change: c.98G>T on transcript NM_014915.3 (MANE Select); coding-DNA position 98, G replaced by T.
Protein change: p.Gly33Val; replaces glycine 33 with valine.
Molecular consequence: missense variant.
Genome position (GRCh38, 1-based): chr10:27,100,229, C>A on the plus strand (G>T on the coding strand, the complement: ANKRD26 is on the minus strand). VCF-style: chr10-27100229-C-A. GRCh37 (hg19) VCF-style: chr10-27389158-C-A.
Other names: c.98G>T, p.Gly33Val (NM_001256053.2); c.98G>T (NM_014915.2); short protein forms G33V.
Identifiers: ClinVar variation 1049678 (VCV001049678.4), dbSNP rs372939800, ClinGen allele CA5449069.
Genomic context (GRCh38, chr10:27,100,229, plus strand): 5'-GCTTTGTGGATCTTGCCGAGATCTCGGTCTCGGACGTGGTAGCCGGGCTGCGAGTAGGCG[C>A]CCTCCCCCGGCTCGCCCCCGCCTCCCGCGCTGCTCCTCTGCCGCCGCGCGAAGGAGCCCA-3'
Protein context (NP_055730.2, residues 23-43): SAGGGGEPGE[Gly33Val]AYSQPGYHVR

ClinVar aggregate classification (germline): Uncertain significance. Review status: criteria provided, multiple submitters, no conflicts (2 of 4 stars). 4 submissions from 4 submitters: Uncertain significance (3). 1 of the submissions does not count toward it. Last evaluated 2025-07-13.

Conditions:
Inborn genetic diseases. Identifiers: MedGen C0950123, MeSH D030342.

Allele frequency attached by ClinVar (database versions not stated): ExAC 0.00001; gnomAD exomes 0.00001; TOPMed 0.00002; gnomAD 0.00004; ESP Exome Variant Server 0.00008.
gnomAD v4.1: 14 of 1,612,574 alleles (0.00087%); highest among the groups gnomAD compares: African/African-American, 0.015%; no homozygotes.

Submissions (4):

Labcorp Genetics (formerly Invitae), Labcorp
Classification: Uncertain significance. Last evaluated: 2025-07-13. Review status: criteria provided, single submitter. Criteria: Invitae Variant Classification Sherloc (09022015). Collection method: clinical testing. Allele origin: germline.
Comment: This sequence change replaces glycine, which is neutral and non-polar, with valine, which is neutral and non-polar, at codon 33 of the ANKRD26 protein (p.Gly33Val). This variant is present in population databases (rs372939800, gnomAD 0.008%). This variant has not been reported in the literature in individuals affected with ANKRD26-related conditions. ClinVar contains an entry for this variant (Variation ID: 1049678). An algorithm developed to predict the effect of missense changes on protein structure and function (PolyPhen-2) suggests that this variant is likely to be tolerated. In summary, the available evidence is currently insufficient to determine the role of this variant in disease. Therefore, it has been classified as a Variant of Uncertain Significance.

Ambry Genetics
Classification: Uncertain significance for Inborn genetic diseases. Last evaluated: 2025-03-12. Review status: criteria provided, single submitter. Criteria: Ambry Variant Classification Scheme 2023. Collection method: clinical testing. Allele origin: germline.
Comment: The p.G33V variant (also known as c.98G>T), located in coding exon 1 of the ANKRD26 gene, results from a G to T substitution at nucleotide position 98. The glycine at codon 33 is replaced by valine, an amino acid with dissimilar properties. This amino acid position is conserved. In addition, this alteration is predicted to be tolerated by in silico analysis. Based on the available evidence, the clinical significance of this variant remains unclear.

GeneDx
Classification: Uncertain significance. Last evaluated: 2024-01-04. Review status: criteria provided, single submitter. Criteria: GeneDx Variant Classification Process June 2021. Collection method: clinical testing. Allele origin: germline. Affected: yes.
Comment: Not observed at significant frequency in large population cohorts (gnomAD); In silico analysis supports that this missense variant has a deleterious effect on protein structure/function; Has not been previously published as pathogenic or benign to our knowledge

Department of Pathology and Laboratory Medicine, Sinai Health System
Classification: Uncertain significance. Review status: no assertion criteria provided. Collection method: clinical testing. Allele origin: unknown. Affected: yes. Study: The Canadian Open Genetics Repository (COGR). Not counted in ClinVar's aggregate classification.
Comment: The ANKRD26 p.Gly33Val variant was not identified in the literature nor was it identified in ClinVar, Cosmic or LOVD 3.0. The variant was identified in dbSNP (ID: rs372939800) and in control databases in 4 of 278452 chromosomes at a frequency of 0.000014 (Genome Aggregation Database Feb 27, 2017). The variant was observed in the following populations: African in 2 of 23986 chromosomes (freq: 0.000083) and Latino in 2 of 35350 chromosomes (freq: 0.000057), but not in the Ashkenazi Jewish, East Asian, European (Finnish), European (non-Finnish), Other or South Asian populations. The p.Gly33 residue is not conserved in mammals and computational analyses (PolyPhen-2, SIFT, AlignGVGD, BLOSUM, MutationTaster) provide inconsistent predictions regarding the impact to the protein; this information is not very predictive of pathogenicity. The variant occurs outside of the splicing consensus sequence and in silico or computational prediction software programs (SpliceSiteFinder, MaxEntScan, NNSPLICE, GeneSplicer) do not predict a difference in splicing. In summary, based on the above information the clinical significance of this variant cannot be determined with certainty at this time. This variant is classified as a variant of uncertain significance.